The following is an entry in ClinVar:

NM_198129.4(LAMA3):c.1077C>T (p.His359=)

Gene: LAMA3 (laminin subunit alpha 3; plus strand). Cytogenetic location: 18q11.2.
Variant type: single nucleotide variant.
Coding change: c.1077C>T on transcript NM_198129.4 (MANE Select); coding-DNA position 1077, C replaced by T.
Protein change: p.His359=; no amino-acid change (histidine 359 retained).
Molecular consequence: synonymous variant. On other transcripts: non-coding transcript variant (1).
Genome position (GRCh38, 1-based): chr18:23,763,418, C>T. VCF-style: chr18-23763418-C-T. GRCh37 (hg19) VCF-style: chr18-21343382-C-T.
Other names: c.1077C>T (NM_198129.2); c.1077C>T, p.His359= (NM_001127717.4, NM_001302996.2).
Identifiers: ClinVar variation 1101747 (VCV001101747.12), dbSNP rs371273390, ClinGen allele CA8914468.

ClinVar aggregate classification (germline): Conflicting classifications of pathogenicity. Review status: criteria provided, conflicting classifications (1 of 4 stars). 3 submissions from 3 submitters: Uncertain significance (1); Likely benign (1). 1 of the submissions does not count toward it. Last evaluated 2025-11-17.

Conditions:
LAMA3-related disorder. Also called: LAMA3-related condition; LAMA3-related disorders.

Allele frequency attached by ClinVar (database versions not stated): gnomAD exomes 0.00003 and 0.00008; ExAC 0.00005; ESP Exome Variant Server 0.00008; gnomAD 0.00018 and 0.00019; TOPMed 0.00023.
gnomAD v4.1: 76 of 1,612,210 alleles (0.0047%); highest among the groups gnomAD compares: African/African-American, 0.076%; no homozygotes.

Submissions (3):

Greenwood Genetic Center Diagnostic Laboratories, Greenwood Genetic Center
Classification: Uncertain significance. Last evaluated: 2025-11-17. Review status: criteria provided, single submitter. Criteria: ACMG Guidelines, 2015. Collection method: clinical testing. Allele origin: germline. Affected: yes.
Comment: PM2, BP7

Labcorp Genetics (formerly Invitae), Labcorp
Classification: Likely benign. Last evaluated: 2018-09-21. Review status: criteria provided, single submitter. Criteria: Invitae Variant Classification Sherloc (09022015). Collection method: clinical testing. Allele origin: germline.

PreventionGenetics, part of Exact Sciences
Classification: Likely benign for LAMA3-related condition. Last evaluated: 2023-03-06. Review status: no assertion criteria provided. Collection method: clinical testing. Allele origin: germline. Not counted in ClinVar's aggregate classification.
Comment: This variant is classified as likely benign based on ACMG/AMP sequence variant interpretation guidelines (Richards et al. 2015 PMID: 25741868, with internal and published modifications).